The following is an entry in ClinVar:

NM_001614.5(ACTG1):c.564C>T (p.Tyr188=)

Gene: ACTG1 (actin gamma 1; minus strand). Cytogenetic location: 17q25.3.
Variant type: single nucleotide variant.
Coding change: c.564C>T on transcript NM_001614.5 (MANE Select); coding-DNA position 564, C replaced by T.
Protein change: p.Tyr188=; no amino-acid change (tyrosine 188 retained).
Molecular consequence: synonymous variant. On other transcripts: non-coding transcript variant (1).
Genome position (GRCh38, 1-based): chr17:81,511,426, G>A on the plus strand (C>T on the coding strand, the complement: ACTG1 is on the minus strand). VCF-style: chr17-81511426-G-A. GRCh37 (hg19) VCF-style: chr17-79478452-G-A.
Other names: c.564C>T, p.Tyr188= (NM_001199954.3).
Identifiers: ClinVar variation 1232484 (VCV001232484.38), dbSNP rs141964376, ClinGen allele CA8836048.

ClinVar aggregate classification (germline): Benign/Likely benign. Review status: criteria provided, multiple submitters, no conflicts (2 of 4 stars). 7 submissions from 6 submitters: Benign (4); Likely benign (2). 1 of the submissions does not count toward it. Last evaluated 2025-08-28.

Conditions:
Baraitser-winter syndrome 2. Identifiers: Orphanet 2995, MedGen C3281235, MONDO:0013812, OMIM 614583.
Autosomal dominant nonsyndromic hearing loss 20. Identifiers: Orphanet 90635, MedGen C1858172, MONDO:0011480, OMIM 604717.
ACTG1-related disorder. Also called: ACTG1-related disorders; ACTG1-related condition.

Allele frequency attached by ClinVar (database versions not stated): ESP Exome Variant Server 0.00008; gnomAD 0.00009 and 0.00011; TOPMed 0.00015; gnomAD exomes 0.00018 and 0.00024; ExAC 0.00019.

Submissions (7):

Labcorp Genetics (formerly Invitae), Labcorp
Classification: Benign for Baraitser-winter syndrome 2; Autosomal dominant nonsyndromic hearing loss 20. Last evaluated: 2025-08-28. Review status: criteria provided, single submitter. Criteria: Invitae Variant Classification Sherloc (09022015). Collection method: clinical testing. Allele origin: germline.

Blueprint Genetics
Classification: Likely benign. Last evaluated: 2024-11-05. Review status: criteria provided, single submitter. Criteria: ACMG Guidelines, 2015. Collection method: clinical testing. Allele origin: germline.

CeGaT Center for Human Genetics Tuebingen
Classification: Likely benign. Last evaluated: 2024-10-01. Review status: criteria provided, single submitter. Criteria: CeGaT Center For Human Genetics Tuebingen Variant Classification Criteria Version 2. Collection method: clinical testing. Allele origin: germline. Affected: yes. Observed: 2 variant alleles.
Comment: ACTG1: BP4, BS1

Genome-Nilou Lab
Classification: Benign for Baraitser-winter syndrome 2. Last evaluated: 2021-12-05. Review status: criteria provided, single submitter. Criteria: ACMG Guidelines, 2015. Collection method: clinical testing. Allele origin: germline. Affected: no.

Genome-Nilou Lab
Classification: Benign for Autosomal dominant nonsyndromic hearing loss 20. Last evaluated: 2021-12-05. Review status: criteria provided, single submitter. Criteria: ACMG Guidelines, 2015. Collection method: clinical testing. Allele origin: germline. Affected: no.

GeneDx
Classification: Benign. Last evaluated: 2019-02-18. Review status: criteria provided, single submitter. Criteria: GeneDx Variant Classification Process June 2021. Collection method: clinical testing. Allele origin: germline. Affected: yes.

PreventionGenetics, part of Exact Sciences
Classification: Likely benign for ACTG1-related condition. Last evaluated: 2024-07-25. Review status: no assertion criteria provided. Collection method: clinical testing. Allele origin: germline. Not counted in ClinVar's aggregate classification.
Comment: This variant is classified as likely benign based on ACMG/AMP sequence variant interpretation guidelines (Richards et al. 2015 PMID: 25741868, with internal and published modifications).